The following is an entry in ClinVar:

NM_004836.7(EIF2AK3):c.1719T>C (p.Asn573=)

Gene: EIF2AK3 (eukaryotic translation initiation factor 2 alpha kinase 3; minus strand). Cytogenetic location: 2p11.2.
Variant type: single nucleotide variant.
Coding change: c.1719T>C on transcript NM_004836.7 (MANE Select); coding-DNA position 1719, T replaced by C.
Protein change: p.Asn573=; no amino-acid change (asparagine 573 retained).
Molecular consequence: synonymous variant.
Genome position (GRCh38, 1-based): chr2:88,583,474, A>G on the plus strand (T>C on the coding strand, the complement: EIF2AK3 is on the minus strand). VCF-style: chr2-88583474-A-G. GRCh37 (hg19) VCF-style: chr2-88882992-A-G.
Other names: c.1266T>C, p.Asn422= (NM_001313915.2); c.1719T>C (NM_004836.6).
Identifiers: ClinVar variation 337411 (VCV000337411.15), dbSNP rs137927384, ClinGen allele CA1754620.

ClinVar aggregate classification (germline): Conflicting classifications of pathogenicity. Review status: criteria provided, conflicting classifications (1 of 4 stars). 3 submissions from 3 submitters: Uncertain significance (1); Benign (1). 1 of the submissions does not count toward it. Last evaluated 2025-12-30.

Conditions:
EIF2AK3-related disorder. Also called: EIF2AK3-related condition.
Wolcott-Rallison dysplasia. Also called: MED-IDDM SYNDROME; Wolcott-Rallison syndrome. Identifiers: Orphanet 1667, MedGen C0432217, MONDO:0009192, OMIM 226980.

Allele frequency attached by ClinVar (database versions not stated): gnomAD 0.00009; gnomAD exomes 0.00011 and 0.00020; TOPMed 0.00011; ESP Exome Variant Server 0.00015; ExAC 0.00018.
gnomAD v4.1: 192 of 1,613,174 alleles (0.012%); highest among the groups gnomAD compares: Non-Finnish European, 0.0028%; 2 homozygotes.

Submissions (3):

Labcorp Genetics (formerly Invitae), Labcorp
Classification: Benign. Last evaluated: 2025-12-30. Review status: criteria provided, single submitter. Criteria: Invitae Variant Classification Sherloc (09022015). Collection method: clinical testing. Allele origin: germline.

Illumina Laboratory Services, Illumina
Classification: Uncertain significance for Wolcott-Rallison dysplasia. Last evaluated: 2018-01-12. Review status: criteria provided, single submitter. Criteria: ICSL Variant Classification Criteria 13 December 2019. Collection method: clinical testing. Allele origin: germline.

PreventionGenetics, part of Exact Sciences
Classification: Likely benign for EIF2AK3-related condition. Last evaluated: 2024-01-19. Review status: no assertion criteria provided. Collection method: clinical testing. Allele origin: germline. Not counted in ClinVar's aggregate classification.
Comment: This variant is classified as likely benign based on ACMG/AMP sequence variant interpretation guidelines (Richards et al. 2015 PMID: 25741868, with internal and published modifications).